The following is an entry in ClinVar:

NM_002878.4(RAD51D):c.743C>T (p.Thr248Ile)

Genes: RAD51D (RAD51 paralog D; minus strand), RAD51L3-RFFL (RAD51L3-RFFL readthrough; minus strand). Cytogenetic location: 17q12.
Variant type: single nucleotide variant.
Coding change: c.743C>T on transcript NM_002878.4 (MANE Select); coding-DNA position 743, C replaced by T.
Protein change: p.Thr248Ile; replaces threonine 248 with isoleucine.
Molecular consequence: missense variant. On other transcripts: non-coding transcript variant (3).
Genome position (GRCh38, 1-based): chr17:35,101,361, G>A on the plus strand (C>T on the coding strand, the complement: RAD51D is on the minus strand). VCF-style: chr17-35101361-G-A. GRCh37 (hg19) VCF-style: chr17-33428380-G-A.
Other names: c.803C>T, p.Thr268Ile (NM_001142571.2); c.407C>T, p.Thr136Ile (NM_133629.3); short protein forms T136I, T248I, T268I.
Identifiers: ClinVar variation 5027851 (VCV005027851.1).

ClinVar aggregate classification (germline): Uncertain significance (1 of 4 stars; one submission).

Conditions:
Hereditary cancer-predisposing syndrome. Also called: Neoplastic Syndromes, Hereditary; Tumor predisposition; Hereditary neoplastic syndrome; Hereditary Cancer Syndrome. Identifiers: Orphanet 140162, MedGen C0027672, MeSH D009386, MONDO:0015356.

Submission:

Ambry Genetics
Classification: Uncertain significance for Hereditary cancer-predisposing syndrome. Last evaluated: 2026-09-06. Review status: criteria provided, single submitter. Criteria: Ambry Variant Classification Scheme 2023. Collection method: clinical testing. Allele origin: germline.
Comment: The p.T248I variant (also known as c.743C>T), located in coding exon 9 of the RAD51D gene, results from a C to T substitution at nucleotide position 743. The threonine at codon 248 is replaced by isoleucine, an amino acid with similar properties. This amino acid position is conserved. In addition, this alteration is predicted to be deleterious by in silico analysis. Based on the available evidence, the clinical significance of this variant remains unclear.